The following is an entry in ClinVar:

NR_003137.3(RNU4-2):n.61A>G

Genes: RNU4-2 (RNA, U4 small nuclear 2; minus strand), SIRT4 (sirtuin 4; plus strand). Cytogenetic location: 12q24.23.
Variant type: single nucleotide variant.
Molecular consequence: non-coding transcript variant (on NR_003137.3).
Genome position: GRCh38 VCF-style: chr12-120291843-T-C. GRCh37 (hg19) VCF-style: chr12-120729646-T-C.
Identifiers: ClinVar variation 3906077 (VCV003906077.10).

ClinVar aggregate classification (germline): Likely benign (1 of 4 stars; one submission).

Submission:

CeGaT Center for Human Genetics Tuebingen
Classification: Likely benign. Last evaluated: 2025-06-01. Review status: criteria provided, single submitter. Criteria: CeGaT Center For Human Genetics Tuebingen Variant Classification Criteria Version 2. Collection method: clinical testing. Allele origin: germline. Affected: yes. Observed: 1 variant allele.
Comment: RNU4-2: BS2